The following is an entry in ClinVar:

NM_201384.3(PLEC):c.3045G>A (p.Pro1015=)

Gene: PLEC (plectin; minus strand). Cytogenetic location: 8q24.3.
Variant type: single nucleotide variant.
Coding change: c.3045G>A on transcript NM_201384.3 (MANE Select); coding-DNA position 3045, G replaced by A.
Protein change: p.Pro1015=; no amino-acid change (proline 1015 retained).
Molecular consequence: synonymous variant.
Genome position (GRCh38, 1-based): chr8:143,929,450, C>T on the plus strand (G>A on the coding strand, the complement: PLEC is on the minus strand). VCF-style: chr8-143929450-C-T. GRCh37 (hg19) VCF-style: chr8-145003618-C-T.
Other names: p.Pro1001=; c.3126G>A (NM_000445.4); c.3126G>A, p.Pro1042= (NM_000445.5); c.3003G>A, p.Pro1001= (NM_201378.4); c.2979G>A, p.Pro993= (NM_201379.3); c.3456G>A, p.Pro1152= (NM_201380.4); c.2949G>A, p.Pro983= (NM_201381.3); c.3045G>A, p.Pro1015= (NM_201382.4); and 1 more.
Identifiers: ClinVar variation 509498 (VCV000509498.52), dbSNP rs368477108, ClinGen allele CA4927249.

ClinVar aggregate classification (germline): Conflicting classifications of pathogenicity. Review status: criteria provided, conflicting classifications (1 of 4 stars). 6 submissions from 6 submitters: Uncertain significance (1); Likely benign (5). Last evaluated 2026-01-28.

Conditions:
PLEC-related disorder. Also called: PLEC-related disorders; PLEC-related condition.
Epidermolysis bullosa simplex 5C, with pyloric atresia (EBS5C). Also called: PLEC-Related Epidermolysis Bullosa with Pyloric Atresia; Epidermolysis bullosa simplex with pyloric atresia; PLEC1-Related Epidermolysis Bullosa with Pyloric Atresia. Identifiers: Orphanet 158684, MedGen C2677349, MONDO:0012807, OMIM 612138.
Epidermolysis bullosa simplex, Ogna type (EBS5A). Also called: Pidermolysis bullosa simplex 5A, Ogna type; EPIDERMOLYSIS BULLOSA SIMPLEX 5A, OGNA TYPE. Identifiers: Orphanet 79401, MedGen C0432317, MONDO:0007555, OMIM 131950.
Autosomal recessive limb-girdle muscular dystrophy type 2Q (LGMDR17). Also called: MUSCULAR DYSTROPHY, LIMB-GIRDLE, AUTOSOMAL RECESSIVE 17. Identifiers: Orphanet 254361, MedGen C3150989, MONDO:0013390, OMIM 613723.
Epidermolysis bullosa simplex with nail dystrophy (EBS5D). Identifiers: MedGen C4225309, MONDO:0014661, OMIM 616487.
Epidermolysis bullosa simplex 5B, with muscular dystrophy (EBS5B). Also called: Epidermolysis bullosa simplex with muscular dystrophy; EPIDERMOLYSIS BULLOSA SIMPLEX AND LIMB-GIRDLE MUSCULAR DYSTROPHY. Identifiers: Orphanet 257, MedGen C2931072, MONDO:0009181, OMIM 226670.

Allele frequency attached by ClinVar (database versions not stated): gnomAD 0.00004; TOPMed 0.00005; ESP Exome Variant Server 0.00008; ExAC 0.00019.

Submissions (6):

PreventionGenetics, part of Exact Sciences
Classification: Likely benign for PLEC-related condition. Last evaluated: 2026-01-28. Review status: criteria provided, single submitter. Criteria: ACMG Guidelines, 2015. Collection method: clinical testing. Allele origin: germline.
Comment: This variant is classified as likely benign based on ACMG/AMP sequence variant interpretation guidelines (Richards et al. 2015 PMID: 25741868, with internal and published modifications).

Labcorp Genetics (formerly Invitae), Labcorp
Classification: Likely benign for Autosomal recessive limb-girdle muscular dystrophy type 2Q; Epidermolysis bullosa simplex, Ogna type; Epidermolysis bullosa simplex with nail dystrophy; Epidermolysis bullosa simplex 5C, with pyloric atresia; Epidermolysis bullosa simplex 5B, with muscular dystrophy. Last evaluated: 2025-08-18. Review status: criteria provided, single submitter. Criteria: Invitae Variant Classification Sherloc (09022015). Collection method: clinical testing. Allele origin: germline.

Mayo Clinic Laboratories, Mayo Clinic
Classification: Likely benign. Last evaluated: 2025-03-10. Review status: criteria provided, single submitter. Criteria: ACMG Guidelines, 2015. Collection method: clinical testing. Allele origin: germline. Observed: 2 variant alleles.
Comment: BP4, BP7

Blueprint Genetics
Classification: Likely benign. Last evaluated: 2022-02-28. Review status: criteria provided, single submitter. Criteria: ACMG Guidelines, 2015. Collection method: clinical testing. Allele origin: germline.

GeneDx
Classification: Likely benign. Last evaluated: 2017-05-10. Review status: criteria provided, single submitter. Criteria: GeneDx Variant Classification (06012015). Collection method: clinical testing. Allele origin: germline. Affected: yes.
Comment: This variant is considered likely benign or benign based on one or more of the following criteria: it is a conservative change, it occurs at a poorly conserved position in the protein, it is predicted to be benign by multiple in silico algorithms, and/or has population frequency not consistent with disease.

CeGaT Center for Human Genetics Tuebingen
Classification: Uncertain significance. Last evaluated: 2016-06-01. Review status: criteria provided, single submitter. Criteria: CeGaT Center For Human Genetics Tuebingen Variant Classification Criteria Version 2. Collection method: clinical testing. Allele origin: germline. Affected: yes. Observed: 1 variant allele.